The following is an entry in ClinVar:

ClinVar aggregate classification (germline): Likely pathogenic (1 of 4 stars; one submission).

Allele frequency attached by ClinVar (database versions not stated): gnomAD exomes below 0.00001.
gnomAD v4.1: 1 of 1,612,892 alleles (0.000062%); highest among the groups gnomAD compares: Non-Finnish European, 0.000085%; no homozygotes.

Submission:

Labcorp Genetics (formerly Invitae), Labcorp
Classification: Likely pathogenic. Last evaluated: 2022-08-23. Review status: criteria provided, single submitter. Criteria: Invitae Variant Classification Sherloc (09022015). Collection method: clinical testing. Allele origin: germline.
Comment: This sequence change affects an acceptor splice site in intron 4 of the COQ2 gene. It is expected to disrupt RNA splicing. Variants that disrupt the donor or acceptor splice site typically lead to a loss of protein function (PMID: 16199547), and loss-of-function variants in COQ2 are known to be pathogenic (PMID: 16400613, 17374725). In summary, the currently available evidence indicates that the variant is pathogenic, but additional data are needed to prove that conclusively. Therefore, this variant has been classified as Likely Pathogenic. Algorithms developed to predict the effect of sequence changes on RNA splicing suggest that this variant may disrupt the consensus splice site. This variant has not been reported in the literature in individuals affected with COQ2-related conditions. This variant is not present in population databases (gnomAD no frequency).

Literature cited by the submitters: PubMed 16199547; PubMed 16400613; PubMed 17374725.

NM_001358921.2(COQ2):c.629-1G>A

Gene: COQ2 (coenzyme Q2, polyprenyltransferase; minus strand). Cytogenetic location: 4q21.23.
Variant type: single nucleotide variant.
Coding change: c.629-1G>A on transcript NM_001358921.2 (MANE Select); the canonical splice acceptor site of the intron before coding-DNA position 629, G replaced by A.
Molecular consequence: splice acceptor variant.
Genome position (GRCh38, 1-based): chr4:83,269,994, C>T on the plus strand (G>A on the coding strand, the complement: COQ2 is on the minus strand). VCF-style: chr4-83269994-C-T. GRCh37 (hg19) VCF-style: chr4-84191147-C-T.
Other names: c.779-1G>A (NM_015697.9).
Identifiers: ClinVar variation 1942314 (VCV001942314.5), dbSNP rs2529756208, ClinGen allele CA357229933.